The following is an entry in ClinVar:

NM_052845.4(MMAB):c.206G>C (p.Ser69Thr)

Gene: MMAB (metabolism of cobalamin associated B; minus strand). Cytogenetic location: 12q24.11.
Variant type: single nucleotide variant.
Coding change: c.206G>C on transcript NM_052845.4 (MANE Select); coding-DNA position 206, G replaced by C.
Protein change: p.Ser69Thr; replaces serine 69 with threonine.
Molecular consequence: missense variant. On other transcripts: non-coding transcript variant (1).
Genome position (GRCh38, 1-based): chr12:109,568,854, C>G on the plus strand (G>C on the coding strand, the complement: MMAB is on the minus strand). VCF-style: chr12-109568854-C-G. GRCh37 (hg19) VCF-style: chr12-110006659-C-G.
Other names: short protein forms S69T.
Identifiers: ClinVar variation 989538 (VCV000989538.4), dbSNP rs147297426, ClinGen allele CA6779004.

ClinVar aggregate classification (germline): Uncertain significance. Review status: criteria provided, single submitter (1 of 4 stars). 2 submissions from 2 submitters: Uncertain significance (1). 1 of the submissions does not count toward it. Last evaluated 2022-10-17.

Conditions:
Methylmalonic aciduria, cblB type (MACB). Also called: METHYLMALONIC ACIDURIA, VITAMIN B12-RESPONSIVE, DUE TO DEFECT IN SYNTHESIS OF ADENOSYLCOBALAMIN, cblB TYPE; Vitamin B12-responsive methylmalonic acidemia type cblB; Methylmalonic acidemia cblB type. Identifiers: Orphanet 28, Orphanet 79311, MedGen C1855102, MONDO:0009614, OMIM 251110.

Allele frequency attached by ClinVar (database versions not stated): TOPMed 0.00002.
gnomAD v4.1: 3 of 1,613,196 alleles (0.00019%); highest among the groups gnomAD compares: Admixed American, 0.005%; no homozygotes.

Submissions (2):

Labcorp Genetics (formerly Invitae), Labcorp
Classification: Uncertain significance for Methylmalonic aciduria, cblB type. Last evaluated: 2022-10-17. Review status: criteria provided, single submitter. Criteria: Invitae Variant Classification Sherloc (09022015). Collection method: clinical testing. Allele origin: germline.
Comment: In summary, the available evidence is currently insufficient to determine the role of this variant in disease. Therefore, it has been classified as a Variant of Uncertain Significance. This sequence change replaces serine, which is neutral and polar, with threonine, which is neutral and polar, at codon 69 of the MMAB protein (p.Ser69Thr). This variant is present in population databases (rs147297426, gnomAD 0.006%). This variant has not been reported in the literature in individuals affected with MMAB-related conditions. ClinVar contains an entry for this variant (Variation ID: 989538). Advanced modeling of protein sequence and biophysical properties (such as structural, functional, and spatial information, amino acid conservation, physicochemical variation, residue mobility, and thermodynamic stability) performed at Invitae indicates that this missense variant is not expected to disrupt MMAB protein function. Algorithms developed to predict the effect of sequence changes on RNA splicing suggest that this variant may create or strengthen a splice site.

Natera, Inc.
Classification: Uncertain significance for Methylmalonic aciduria cblB type. Last evaluated: 2020-04-10. Review status: no assertion criteria provided. Collection method: clinical testing. Allele origin: germline. Not counted in ClinVar's aggregate classification.